The following is an entry in ClinVar:

ClinVar aggregate classification (germline): Uncertain significance (1 of 4 stars; one submission).

Allele frequency attached by ClinVar (database versions not stated): ExAC 0.00002; TOPMed 0.00002; gnomAD 0.00003 and 0.00004; gnomAD exomes 0.00003 and 0.00004.

Submission:

Labcorp Genetics (formerly Invitae), Labcorp
Classification: Uncertain significance. Last evaluated: 2025-01-22. Review status: criteria provided, single submitter. Criteria: Invitae Variant Classification Sherloc (09022015). Collection method: clinical testing. Allele origin: germline.
Comment: This sequence change replaces asparagine, which is neutral and polar, with serine, which is neutral and polar, at codon 1195 of the CLTC protein (p.Asn1195Ser). This variant is present in population databases (rs774053560, gnomAD 0.02%). This variant has not been reported in the literature in individuals affected with CLTC-related conditions. ClinVar contains an entry for this variant (Variation ID: 1430427). Invitae Evidence Modeling of protein sequence and biophysical properties (such as structural, functional, and spatial information, amino acid conservation, physicochemical variation, residue mobility, and thermodynamic stability) indicates that this missense variant is not expected to disrupt CLTC protein function with a negative predictive value of 80%. In summary, the available evidence is currently insufficient to determine the role of this variant in disease. Therefore, it has been classified as a Variant of Uncertain Significance.

NM_004859.4(CLTC):c.3572A>G (p.Asn1191Ser)

Gene: CLTC (clathrin heavy chain; plus strand). Cytogenetic location: 17q23.1.
Variant type: single nucleotide variant.
Coding change: c.3572A>G on transcript NM_004859.4 (MANE Select); coding-DNA position 3572, A replaced by G.
Protein change: p.Asn1191Ser; replaces asparagine 1191 with serine.
Molecular consequence: missense variant.
Genome position (GRCh38, 1-based): chr17:59,682,400, A>G. VCF-style: chr17-59682400-A-G. GRCh37 (hg19) VCF-style: chr17-57759761-A-G.
Other names: c.3584A>G, p.Asn1195Ser (NM_001288653.2); short protein forms N1195S, N1191S.
Identifiers: ClinVar variation 1430427 (VCV001430427.6), dbSNP rs774053560, ClinGen allele CA8681608.